The following is an entry in ClinVar:

ClinVar aggregate classification (germline): Uncertain significance (1 of 4 stars; one submission).

Conditions:
Hereditary diffuse gastric adenocarcinoma (HDGC). Also called: DIFFUSE GASTRIC AND LOBULAR BREAST CANCER SYNDROME. Identifiers: Orphanet 26106, MedGen C1708349, MONDO:0007648, OMIM 137215.

Submission:

Labcorp Genetics (formerly Invitae), Labcorp
Classification: Uncertain significance for Hereditary diffuse gastric adenocarcinoma. Last evaluated: 2021-01-03. Review status: criteria provided, single submitter. Criteria: Invitae Variant Classification Sherloc (09022015). Collection method: clinical testing. Allele origin: germline.
Comment: This sequence change replaces leucine with proline at codon 466 of the CDH1 protein (p.Leu466Pro). The leucine residue is highly conserved and there is a moderate physicochemical difference between leucine and proline. This variant is not present in population databases (ExAC no frequency). This variant has not been reported in the literature in individuals with CDH1-related conditions. Algorithms developed to predict the effect of missense changes on protein structure and function are either unavailable or do not agree on the potential impact of this missense change (SIFT: "Deleterious"; PolyPhen-2: "Benign"; Align-GVGD: "Class C65"). In summary, the available evidence is currently insufficient to determine the role of this variant in disease. Therefore, it has been classified as a Variant of Uncertain Significance.

NM_004360.5(CDH1):c.1397T>C (p.Leu466Pro)

Gene: CDH1 (cadherin 1; plus strand). Cytogenetic location: 16q22.1.
Variant type: single nucleotide variant.
Coding change: c.1397T>C on transcript NM_004360.5 (MANE Select); coding-DNA position 1397, T replaced by C.
Protein change: p.Leu466Pro; replaces leucine 466 with proline.
Molecular consequence: missense variant. On other transcripts: 5 prime UTR variant (2).
Genome position (GRCh38, 1-based): chr16:68,815,591, T>C. VCF-style: chr16-68815591-T-C. GRCh37 (hg19) VCF-style: chr16-68849494-T-C.
Other names: c.1214T>C, p.Leu405Pro (NM_001317184.2); c.-152T>C (NM_001317185.2); c.-423T>C (NM_001317186.2); short protein forms L405P, L466P.
Identifiers: ClinVar variation 1362403 (VCV001362403.8), dbSNP rs2152134822, ClinGen allele CA396462902.
Genomic context (GRCh38, chr16:68,815,591, plus strand): 5'-CCAAGCAGCAGTACATTCTACACGTAGCAGTGACGAATGTGGTACCTTTTGAGGTCTCTC[T>C]CACCACCTCCACAGCCACCGTCACCGTGGATGTGCTGGATGTGAATGAAGCCCCCATCTT-3'
Protein context (NP_004351.1, residues 456-476): VTNVVPFEVS[Leu466Pro]TTSTATVTVD